The following is an entry in ClinVar:

NM_001130438.3(SPTAN1):c.6377A>C (p.Asn2126Thr)

Gene: SPTAN1 (spectrin alpha, non-erythrocytic 1; plus strand). Cytogenetic location: 9q34.11.
Variant type: single nucleotide variant.
Coding change: c.6377A>C on transcript NM_001130438.3 (MANE Select); coding-DNA position 6377, A replaced by C.
Protein change: p.Asn2126Thr; replaces asparagine 2126 with threonine.
Molecular consequence: missense variant.
Genome position (GRCh38, 1-based): chr9:128,626,488, A>C. VCF-style: chr9-128626488-A-C. GRCh37 (hg19) VCF-style: chr9-131388767-A-C.
Other names: c.6302A>C, p.Asn2101Thr (NM_001195532.2, NM_001438444.1, NM_001438441.1); c.6377A>C, p.Asn2126Thr (NM_001363759.2, NM_001375310.1, NM_001375311.2 and 1 more transcripts); c.6317A>C, p.Asn2106Thr (NM_001363765.2, NM_001375314.2, NM_001438442.1); c.6362A>C, p.Asn2121Thr (NM_001438445.1, NM_003127.4, NM_001438443.1); c.6413A>C, p.Asn2138Thr (NM_001375312.2, NM_001375318.1, NM_001438440.1); short protein forms N2101T, N2106T, N2121T, N2126T, N2138T.
Identifiers: ClinVar variation 4847378 (VCV004847378.1).

ClinVar aggregate classification (germline): Uncertain significance (1 of 4 stars; one submission).

Submission:

Women's Health and Genetics/Laboratory Corporation of America, LabCorp
Classification: Uncertain significance. Last evaluated: 2026-03-09. Review status: criteria provided, single submitter. Criteria: LabCorp Variant Classification Summary - May 2015. Collection method: clinical testing. Allele origin: germline.
Comment: Variant summary: SPTAN1 c.6377A>C (p.Asn2126Thr) results in a non-conservative amino acid change in the encoded protein sequence. Algorithms developed to predict the effect of missense changes on protein structure and function are either unavailable or do not agree on the potential impact of this missense change. The variant was absent in 251454 control chromosomes. The available data on variant occurrences in the general population are insufficient to allow any conclusion about variant significance. To our knowledge, no occurrence of c.6377A>C in individuals affected with SPTAN1-related conditions and no experimental evidence demonstrating its impact on protein function have been reported. No submitters have cited clinical-significance assessments for this variant to ClinVar. Based on the evidence outlined above, the variant was classified as uncertain significance.